The following is an entry in ClinVar:

NM_005548.3(KARS1):c.1115C>G (p.Thr372Ser)

Gene: KARS1 (lysyl-tRNA synthetase 1; minus strand). Cytogenetic location: 16q23.1.
Variant type: single nucleotide variant.
Coding change: c.1115C>G on transcript NM_005548.3 (MANE Select); coding-DNA position 1115, C replaced by G.
Protein change: p.Thr372Ser; replaces threonine 372 with serine.
Molecular consequence: missense variant.
Genome position (GRCh38, 1-based): chr16:75,631,553, G>C on the plus strand (C>G on the coding strand, the complement: KARS1 is on the minus strand). VCF-style: chr16-75631553-G-C. GRCh37 (hg19) VCF-style: chr16-75665451-G-C.
Other names: c.1199C>G, p.Thr400Ser (NM_001130089.2); c.647C>G, p.Thr216Ser (NM_001378148.1); short protein forms T216S, T400S, T372S.
Identifiers: ClinVar variation 1975616 (VCV001975616.2), dbSNP rs754249871, ClinGen allele CA8177379.
Genomic context (GRCh38, chr16:75,631,553, plus strand): 5'-CGGAAGGGTGGGGTGAAGTCAACATCGTAGGCTTGGCCCTCTGGGCCATCTGGGTGGTAG[G>C]TGACCTTGTAACTGCCTGTAATATGCTTCACCATCCCTGGGAGAGAAACCTGTTATTTAG-3'
Protein context (NP_005539.1, residues 362-382): VKHITGSYKV[Thr372Ser]YHPDGPEGQA

ClinVar aggregate classification (germline): Uncertain significance (1 of 4 stars; one submission).

Allele frequency attached by ClinVar (database versions not stated): ExAC 0.00001; gnomAD 0.00001.
gnomAD v4.1: 3 of 1,614,058 alleles (0.00019%); highest among the groups gnomAD compares: Admixed American, 0.0033%; no homozygotes.

Submission:

Labcorp Genetics (formerly Invitae), Labcorp
Classification: Uncertain significance. Last evaluated: 2022-03-25. Review status: criteria provided, single submitter. Criteria: Invitae Variant Classification Sherloc (09022015). Collection method: clinical testing. Allele origin: germline.
Comment: This sequence change replaces threonine, which is neutral and polar, with serine, which is neutral and polar, at codon 400 of the KARS protein (p.Thr400Ser). This variant is present in population databases (rs754249871, gnomAD 0.003%). This variant has not been reported in the literature in individuals affected with KARS-related conditions. Algorithms developed to predict the effect of missense changes on protein structure and function (SIFT, PolyPhen-2, Align-GVGD) all suggest that this variant is likely to be tolerated. In summary, the available evidence is currently insufficient to determine the role of this variant in disease. Therefore, it has been classified as a Variant of Uncertain Significance.